The following is an entry in ClinVar:

NM_017763.6(RNF43):c.571C>A (p.Pro191Thr)

Gene: RNF43 (ring finger protein 43; minus strand). Cytogenetic location: 17q22.
Variant type: single nucleotide variant.
Coding change: c.571C>A on transcript NM_017763.6 (MANE Select); coding-DNA position 571, C replaced by A.
Protein change: p.Pro191Thr; replaces proline 191 with threonine.
Molecular consequence: missense variant.
Genome position (GRCh38, 1-based): chr17:58,363,286, G>T on the plus strand (C>A on the coding strand, the complement: RNF43 is on the minus strand). VCF-style: chr17-58363286-G-T. GRCh37 (hg19) VCF-style: chr17-56440647-G-T.
Other names: c.571C>A, p.Pro191Thr (NM_001305544.3); c.190C>A, p.Pro64Thr (NM_001305545.2); c.571C>A (NM_017763.4); short protein forms P191T, P64T.
Identifiers: ClinVar variation 3240359 (VCV003240359.2), dbSNP rs762889537.

ClinVar aggregate classification (germline): Uncertain significance. Review status: criteria provided, multiple submitters, no conflicts (2 of 4 stars). 2 submissions from 2 submitters: Uncertain significance (2). Last evaluated 2025-09-28.

Conditions:
Sessile serrated polyposis cancer syndrome (SSPCS). Identifiers: Orphanet 157798, MedGen C4310714, MONDO:0014919, OMIM 617108.

gnomAD v4.1: 2 of 1,613,762 alleles (0.00012%); highest among the groups gnomAD compares: African/African-American, 0.0027%; no homozygotes.

Submissions (2):

Ambry Genetics
Classification: Uncertain significance. Last evaluated: 2025-09-28. Review status: criteria provided, single submitter. Criteria: Ambry Variant Classification Scheme 2023. Collection method: clinical testing. Allele origin: germline.
Comment: The p.P191T variant (also known as c.571C>A), located in coding exon 4 of the RNF43 gene, results from a C to A substitution at nucleotide position 571. The proline at codon 191 is replaced by threonine, an amino acid with highly similar properties. This amino acid position is conserved. In addition, this alteration is predicted to be tolerated by in silico analysis. Based on the available evidence, the clinical significance of this variant remains unclear.

Baylor Genetics
Classification: Uncertain significance for Sessile serrated polyposis cancer syndrome. Last evaluated: 2024-02-23. Review status: criteria provided, single submitter. Criteria: ACMG Guidelines, 2015. Collection method: clinical testing. Allele origin: unknown.